The following is an entry in ClinVar:

ClinVar aggregate classification (germline): Uncertain significance (1 of 4 stars; one submission).

Allele frequency attached by ClinVar (database versions not stated): ExAC 0.00001; gnomAD exomes 0.00001.
gnomAD v4.1: 13 of 1,613,984 alleles (0.00081%); highest among the groups gnomAD compares: South Asian, 0.0066%; no homozygotes.

Submission:

GeneDx
Classification: Uncertain significance. Last evaluated: 2025-12-10. Review status: criteria provided, single submitter. Criteria: GeneDx Variant Classification Process June 2021. Collection method: clinical testing. Allele origin: germline.
Comment: Not observed at significant frequency in large population cohorts (gnomAD); In silico analysis suggests that this missense variant does not alter protein structure/function; Has not been previously published as pathogenic or benign to our knowledge

NM_001042472.3(ABHD12):c.194G>A (p.Arg65Gln)

Gene: ABHD12 (abhydrolase domain containing 12, lysophospholipase; minus strand). Cytogenetic location: 20p11.21.
Variant type: single nucleotide variant.
Coding change: c.194G>A on transcript NM_001042472.3 (MANE Select); coding-DNA position 194, G replaced by A.
Protein change: p.Arg65Gln; replaces arginine 65 with glutamine.
Molecular consequence: missense variant.
Genome position (GRCh38, 1-based): chr20:25,339,349, C>T on the plus strand (G>A on the coding strand, the complement: ABHD12 is on the minus strand). VCF-style: chr20-25339349-C-T. GRCh37 (hg19) VCF-style: chr20-25319985-C-T.
Other names: c.194G>A, p.Arg65Gln (NM_015600.5); short protein forms R65Q.
Identifiers: ClinVar variation 2430743 (VCV002430743.2), dbSNP rs747959288, ClinGen allele CA9796222.